The following is an entry in ClinVar:

ClinVar aggregate classification (germline): Uncertain significance (1 of 4 stars; one submission).

Conditions:
Duchenne muscular dystrophy (DMD). Also called: MUSCULAR DYSTROPHY, PSEUDOHYPERTROPHIC PROGRESSIVE, DUCHENNE TYPE; Duchenne Muscular Dystrophy (DMD). Identifiers: Orphanet 98896, MedGen C0013264, MONDO:0010679, OMIM 310200.

Submission:

Labcorp Genetics (formerly Invitae), Labcorp
Classification: Uncertain significance for Duchenne muscular dystrophy. Last evaluated: 2024-09-08. Review status: criteria provided, single submitter. Criteria: Invitae Variant Classification Sherloc (09022015). Collection method: clinical testing. Allele origin: germline.
Comment: This sequence change replaces alanine, which is neutral and non-polar, with proline, which is neutral and non-polar, at codon 1404 of the DMD protein (p.Ala1404Pro). This variant is not present in population databases (gnomAD no frequency). This variant has not been reported in the literature in individuals affected with DMD-related conditions. Invitae Evidence Modeling of protein sequence and biophysical properties (such as structural, functional, and spatial information, amino acid conservation, physicochemical variation, residue mobility, and thermodynamic stability) indicates that this missense variant is not expected to disrupt DMD protein function with a negative predictive value of 95%. In summary, the available evidence is currently insufficient to determine the role of this variant in disease. Therefore, it has been classified as a Variant of Uncertain Significance.

NM_004006.3(DMD):c.4210G>C (p.Ala1404Pro)

Gene: DMD (dystrophin; minus strand). Cytogenetic location: Xp21.1.
Variant type: single nucleotide variant.
Coding change: c.4210G>C on transcript NM_004006.3 (MANE Select); coding-DNA position 4210, G replaced by C.
Protein change: p.Ala1404Pro; replaces alanine 1404 with proline.
Molecular consequence: missense variant.
Genome position (GRCh38, 1-based): chrX:32,411,775, C>G on the plus strand (G>C on the coding strand, the complement: DMD is on the minus strand). VCF-style: chrX-32411775-C-G. GRCh37 (hg19) VCF-style: chrX-32429892-C-G.
Other names: c.4186G>C, p.Ala1396Pro (NM_000109.4); c.4198G>C, p.Ala1400Pro (NM_004009.3); c.3841G>C, p.Ala1281Pro (NM_004010.3); c.187G>C, p.Ala63Pro (NM_004011.4); c.178G>C, p.Ala60Pro (NM_004012.4); short protein forms A1400P, A60P, A63P, A1281P, A1404P, A1396P.
Identifiers: ClinVar variation 2738855 (VCV002738855.3), dbSNP rs2523598321, ClinGen allele CA412666078.